The following is an entry in ClinVar:

ClinVar aggregate classification (germline): Likely benign (1 of 4 stars; one submission).

Conditions:
PI4KB-related disorder. Also called: PI4KB-related condition.

Submission:

PreventionGenetics, part of Exact Sciences
Classification: Likely benign for PI4KB-related condition. Last evaluated: 2026-02-09. Review status: criteria provided, single submitter. Criteria: ACMG Guidelines, 2015. Collection method: clinical testing. Allele origin: germline.
Comment: This variant is classified as likely benign based on ACMG/AMP sequence variant interpretation guidelines (Richards et al. 2015 PMID: 25741868, with internal and published modifications).

NM_001369623.2(PI4KB):c.955-5T>C

Gene: PI4KB (phosphatidylinositol 4-kinase beta; minus strand). Cytogenetic location: 1q21.3.
Variant type: single nucleotide variant.
Coding change: c.955-5T>C on transcript NM_001369623.2 (MANE Select); 5 bases into the intron before coding-DNA position 955, T replaced by C.
Molecular consequence: intron variant.
Genome position (GRCh38, 1-based): chr1:151,307,806, A>G on the plus strand (T>C on the coding strand, the complement: PI4KB is on the minus strand). VCF-style: chr1-151307806-A-G. GRCh37 (hg19) VCF-style: chr1-151280282-A-G.
Other names: c.955-5T>C (NM_001369626.1, NM_001369629.2, NM_001330721.2); c.910-5T>C (NM_001369624.1, NM_001198774.2, NM_001198773.3); c.946-5T>C (NM_001369625.1, NM_001369628.1); c.-42-5T>C (NM_001198775.3); c.991-5T>C (NM_002651.4).
Identifiers: ClinVar variation 4987963 (VCV004987963.1).